The following is an entry in ClinVar:

NM_004304.5(ALK):c.3819G>A (p.Met1273Ile)

Gene: ALK (ALK receptor tyrosine kinase; minus strand). Cytogenetic location: 2p23.2.
Variant type: single nucleotide variant.
Coding change: c.3819G>A on transcript NM_004304.5 (MANE Select); coding-DNA position 3819, G replaced by A.
Protein change: p.Met1273Ile; replaces methionine 1273 with isoleucine.
Molecular consequence: missense variant.
Genome position (GRCh38, 1-based): chr2:29,209,803, C>T on the plus strand (G>A on the coding strand, the complement: ALK is on the minus strand). VCF-style: chr2-29209803-C-T. GRCh37 (hg19) VCF-style: chr2-29432669-C-T.
Other names: c.615G>A, p.Met205Ile (NM_001353765.2); short protein forms M1273I, M205I.
Identifiers: ClinVar variation 1516400 (VCV001516400.10), dbSNP rs2148155078, ClinGen allele CA346469584.

ClinVar aggregate classification (germline): Uncertain significance. Review status: criteria provided, multiple submitters, no conflicts (2 of 4 stars). 2 submissions from 2 submitters: Uncertain significance (2). Last evaluated 2024-01-02.

Conditions:
Hereditary cancer-predisposing syndrome. Also called: Neoplastic Syndromes, Hereditary; Hereditary Cancer Syndrome; Tumor predisposition; Hereditary neoplastic syndrome. Identifiers: Orphanet 140162, MedGen C0027672, MeSH D009386, MONDO:0015356.
Neuroblastoma, susceptibility to, 3. Also called: ALK-Related Neuroblastic Tumor Susceptibility. Identifiers: Orphanet 635, MedGen C2751681, MONDO:0013083, OMIM 613014.

Submissions (2):

Ambry Genetics
Classification: Uncertain significance for Hereditary cancer-predisposing syndrome. Last evaluated: 2024-01-02. Review status: criteria provided, single submitter. Criteria: Ambry Variant Classification Scheme 2023. Collection method: clinical testing. Allele origin: germline.
Comment: The p.M1273I variant (also known as c.3819G>A), located in coding exon 25 of the ALK gene, results from a G to A substitution at nucleotide position 3819. The methionine at codon 1273 is replaced by isoleucine, an amino acid with highly similar properties. This amino acid position is highly conserved in available vertebrate species. In addition, this alteration is predicted to be deleterious by in silico analysis. Since supporting evidence is limited at this time, the clinical significance of this alteration remains unclear.

Labcorp Genetics (formerly Invitae), Labcorp
Classification: Uncertain significance for Neuroblastoma, susceptibility to, 3. Last evaluated: 2021-03-13. Review status: criteria provided, single submitter. Criteria: Invitae Variant Classification Sherloc (09022015). Collection method: clinical testing. Allele origin: germline.
Comment: This variant has not been reported in the literature in individuals with ALK-related conditions. In summary, the available evidence is currently insufficient to determine the role of this variant in disease. Therefore, it has been classified as a Variant of Uncertain Significance. Algorithms developed to predict the effect of missense changes on protein structure and function are either unavailable or do not agree on the potential impact of this missense change (SIFT: "Deleterious"; PolyPhen-2: "Probably Damaging"; Align-GVGD: "Class C0"). This variant is not present in population databases (ExAC no frequency). This sequence change replaces methionine with isoleucine at codon 1273 of the ALK protein (p.Met1273Ile). The methionine residue is highly conserved and there is a small physicochemical difference between methionine and isoleucine.